The following is an entry in ClinVar:

NM_016312.3(WBP11):c.1237C>T (p.Leu413Phe)

Gene: WBP11 (WW domain binding protein 11; minus strand). Cytogenetic location: 12p12.3.
Variant type: single nucleotide variant.
Coding change: c.1237C>T on transcript NM_016312.3 (MANE Select); coding-DNA position 1237, C replaced by T.
Protein change: p.Leu413Phe; replaces leucine 413 with phenylalanine.
Molecular consequence: missense variant.
Genome position (GRCh38, 1-based): chr12:14,790,528, G>A on the plus strand (C>T on the coding strand, the complement: WBP11 is on the minus strand). VCF-style: chr12-14790528-G-A. GRCh37 (hg19) VCF-style: chr12-14943462-G-A.
Other names: short protein forms L413F.
Identifiers: ClinVar variation 3369279 (VCV003369279.1).
Genomic context (GRCh38, chr12:14,790,528, plus strand): 5'-CAGGAGGAAGGCCTGTAGGTGGCCCAGGAGGCCGTAATGGTGGAGCAGGTGGTGGTCCAA[G>A]AGGTGGTGGTCCTGGCATGGGAGGTGCTTGTATCTGAGAAGGAGGAACAGACTGCGGCGG-3'
Protein context (NP_057396.1, residues 403-423): QAPPMPGPPP[Leu413Phe]GPPPAPPLRP

ClinVar aggregate classification (germline): Uncertain significance (1 of 4 stars; one submission).

Submission:

GeneDx
Classification: Uncertain significance. Last evaluated: 2024-02-14. Review status: criteria provided, single submitter. Criteria: GeneDx Variant Classification Process June 2021. Collection method: clinical testing. Allele origin: germline. Affected: yes.
Comment: Not observed at significant frequency in large population cohorts (gnomAD); In silico analysis supports that this missense variant does not alter protein structure/function; Has not been previously published as pathogenic or benign to our knowledge